The following is an entry in ClinVar:

NM_078629.4(MSL3):c.723C>T (p.Asn241=)

Gene: MSL3 (MSL complex subunit 3; plus strand). Cytogenetic location: Xp22.2.
Variant type: single nucleotide variant.
Coding change: c.723C>T on transcript NM_078629.4 (MANE Select); coding-DNA position 723, C replaced by T.
Protein change: p.Asn241=; no amino-acid change (asparagine 241 retained).
Molecular consequence: synonymous variant.
Genome position (GRCh38, 1-based): chrX:11,762,971, C>T. VCF-style: chrX-11762971-C-T. GRCh37 (hg19) VCF-style: chrX-11781090-C-T.
Other names: c.687C>T, p.Asn229= (NM_001193270.2); c.276C>T, p.Asn92= (NM_001282174.1); c.225C>T, p.Asn75= (NM_006800.4); c.723C>T, p.Asn241= (NM_078628.2).
Identifiers: ClinVar variation 2659993 (VCV002659993.24), dbSNP rs1165353607, ClinGen allele CA515503488.

ClinVar aggregate classification (germline): Likely benign (1 of 4 stars; one submission).

Allele frequency attached by ClinVar (database versions not stated): gnomAD exomes 0.00001; gnomAD 0.00002; TOPMed 0.00002.
gnomAD v4.1: 15 of 1,207,144 alleles (0.0012%); highest among the groups gnomAD compares: South Asian, 0.0036%; no homozygotes.

Submission:

CeGaT Center for Human Genetics Tuebingen
Classification: Likely benign. Last evaluated: 2022-12-01. Review status: criteria provided, single submitter. Criteria: CeGaT Center For Human Genetics Tuebingen Variant Classification Criteria Version 2. Collection method: clinical testing. Allele origin: germline. Affected: yes. Observed: 1 variant allele.
Comment: MSL3: BP4, BP7